The following is an entry in ClinVar:

ClinVar aggregate classification (germline): Uncertain significance. Review status: criteria provided, multiple submitters, no conflicts (2 of 4 stars). 2 submissions from 2 submitters: Uncertain significance (2). Last evaluated 2022-10-17.

Conditions:
Spastic paraplegia. Identifiers: MedGen C0037772, HP:0001258.
Hereditary spastic paraplegia 15 (SPG15). Also called: SPASTIC PARAPLEGIA 15, AUTOSOMAL RECESSIVE; KJELLIN SYNDROME; SPASTIC PARAPLEGIA AND RETINAL DEGENERATION. Identifiers: Orphanet 100996, MedGen C1849128, MONDO:0010044, OMIM 270700.

Allele frequency attached by ClinVar (database versions not stated): gnomAD 0.00001; ExAC 0.00002; TOPMed 0.00002; gnomAD exomes 0.00003.
gnomAD v4.1: 41 of 1,613,952 alleles (0.0025%); highest among the groups gnomAD compares: East Asian, 0.036%; no homozygotes.

Submissions (2):

Labcorp Genetics (formerly Invitae), Labcorp
Classification: Uncertain significance for Spastic paraplegia. Last evaluated: 2022-10-17. Review status: criteria provided, single submitter. Criteria: Invitae Variant Classification Sherloc (09022015). Collection method: clinical testing. Allele origin: germline.
Comment: This sequence change replaces arginine, which is basic and polar, with cysteine, which is neutral and slightly polar, at codon 2308 of the ZFYVE26 protein (p.Arg2308Cys). This variant is present in population databases (rs756020172, gnomAD 0.03%). This variant has not been reported in the literature in individuals affected with ZFYVE26-related conditions. Algorithms developed to predict the effect of missense changes on protein structure and function are either unavailable or do not agree on the potential impact of this missense change (SIFT: "Deleterious"; PolyPhen-2: "Possibly Damaging"; Align-GVGD: "Class C0"). In summary, the available evidence is currently insufficient to determine the role of this variant in disease. Therefore, it has been classified as a Variant of Uncertain Significance.

Revvity Omics, Revvity
Classification: Uncertain significance for Hereditary spastic paraplegia 15. Last evaluated: 2019-12-19. Review status: criteria provided, single submitter. Criteria: ACMG Guidelines, 2015. Collection method: clinical testing. Allele origin: germline.

NM_015346.4(ZFYVE26):c.6922C>T (p.Arg2308Cys)

Gene: ZFYVE26 (zinc finger FYVE-type containing 26; minus strand). Cytogenetic location: 14q24.1.
Variant type: single nucleotide variant.
Coding change: c.6922C>T on transcript NM_015346.4 (MANE Select); coding-DNA position 6922, C replaced by T.
Protein change: p.Arg2308Cys; replaces arginine 2308 with cysteine.
Molecular consequence: missense variant.
Genome position (GRCh38, 1-based): chr14:67,755,115, G>A on the plus strand (C>T on the coding strand, the complement: ZFYVE26 is on the minus strand). VCF-style: chr14-67755115-G-A. GRCh37 (hg19) VCF-style: chr14-68221832-G-A.
Other names: c.6922C>T (NM_015346.3); short protein forms R2308C.
Identifiers: ClinVar variation 2078741 (VCV002078741.4), dbSNP rs756020172, ClinGen allele CA7239109.